The following is an entry in ClinVar:

NM_001083962.2(TCF4):c.245G>A (p.Ser82Asn)

Genes: TCF4 (transcription factor 4; minus strand), TCF4-AS1 (TCF4 antisense RNA 1; plus strand). Cytogenetic location: 18q21.2.
Variant type: single nucleotide variant.
Coding change: c.245G>A on transcript NM_001083962.2 (MANE Select); coding-DNA position 245, G replaced by A.
Protein change: p.Ser82Asn; replaces serine 82 with asparagine.
Molecular consequence: missense variant.
Genome position (GRCh38, 1-based): chr18:55,461,078, C>T on the plus strand (G>A on the coding strand, the complement: TCF4 is on the minus strand). VCF-style: chr18-55461078-C-T. GRCh37 (hg19) VCF-style: chr18-53128309-C-T.
Other names: NM_001083962.2(TCF4):c.245G>A; p.Ser82Asn; c.173G>A, p.Ser58Asn (NM_001369583.1, NM_001369584.1, NM_001369585.1 and 15 more transcripts); c.245G>A, p.Ser82Asn (NM_003199.3, NM_001369573.1, NM_001369574.1 and 8 more transcripts); c.551G>A, p.Ser184Asn (NM_001243226.3); c.239G>A, p.Ser80Asn (NM_001243230.2); c.119G>A, p.Ser40Asn (NM_001243231.2, NM_001348211.2); short protein forms S184N, S40N, S58N, S80N, S82N.
Identifiers: ClinVar variation 1312388 (VCV001312388.9), dbSNP rs773462232, ClinGen allele CA8970611.

ClinVar aggregate classification (germline): Likely benign. Review status: reviewed by expert panel (3 of 4 stars). 3 submissions from 3 submitters: Likely benign (1). 2 of the submissions do not count toward it. Last evaluated 2024-08-30.

Conditions:
Pitt-Hopkins syndrome (PTHS). Also called: ENCEPHALOPATHY, SEVERE EPILEPTIC, WITH AUTONOMIC DYSFUNCTION; MENTAL RETARDATION, SYNDROMAL, WITH INTERMITTENT HYPERVENTILATION. Identifiers: Orphanet 2896, MedGen C1970431, MONDO:0012589, OMIM 610954.

Allele frequency attached by ClinVar (database versions not stated): gnomAD exomes below 0.00001; TOPMed below 0.00001; ExAC 0.00001; gnomAD 0.00001 and 0.00002.

Submissions (3):

ClinGen Rett and Angelman-like Disorders Variant Curation Expert Panel
Classification: Likely benign for Pitt-Hopkins syndrome. Last evaluated: 2024-08-30. Review status: reviewed by expert panel. Criteria: ClinGen RettAS ACMG Specifications TCF4 V3.0.0. Collection method: curation. Allele origin: germline. Inheritance: Autosomal dominant inheritance.
Comment: The highest population minor allele frequency of the p.Ser82Asn variant in TCF4 in gnomAD v2.1.1 is 0.00006 in African/African American population (not sufficient to meet BS1 criteria). The p.Ser82Asn variant is observed in at least 2 unaffected individuals (internal database - GeneDx and Invitae) (BS2). Computational analysis prediction tools suggest that the p.Ser82Asn variant does not have a deleterious impact; however this information does not predict clinical significance on its own (BP4). In summary, the p.Ser82Asn variant in TCF4 is classified as likely benign based on the ACMG/AMP criteria (BS2, BP4). (TCF4 specifications v.3; approved on 8/30/2024)

Labcorp Genetics (formerly Invitae), Labcorp
Classification: Benign for Pitt-Hopkins syndrome. Last evaluated: 2022-01-13. Review status: criteria provided, single submitter. Criteria: Invitae Variant Classification Sherloc (09022015). Collection method: clinical testing. Allele origin: germline. Not counted in ClinVar's aggregate classification.

GeneDx
Classification: Uncertain significance. Last evaluated: 2019-09-17. Review status: criteria provided, single submitter. Criteria: GeneDx Variant Classification Process June 2021. Collection method: clinical testing. Allele origin: germline. Affected: yes. Not counted in ClinVar's aggregate classification.
Comment: In silico analysis, which includes protein predictors and evolutionary conservation, supports that this variant does not alter protein structure/function; Has not been previously published as pathogenic or benign to our knowledge